The following is an entry in ClinVar:

ClinVar aggregate classification (germline): Uncertain significance (1 of 4 stars; one submission).

Conditions:
Inborn genetic diseases. Identifiers: MedGen C0950123, MeSH D030342.

gnomAD v4.1: 1 of 1,614,226 alleles (0.000062%); highest among the groups gnomAD compares: East Asian, 0.0022%; no homozygotes.

Submission:

Ambry Genetics
Classification: Uncertain significance for Inborn genetic diseases. Last evaluated: 2024-11-23. Review status: criteria provided, single submitter. Criteria: Ambry Variant Classification Scheme 2023. Collection method: clinical testing. Allele origin: germline.
Comment: The p.L183V variant (also known as c.547C>G), located in coding exon 5 of the USB1 gene, results from a C to G substitution at nucleotide position 547. The leucine at codon 183 is replaced by valine, an amino acid with highly similar properties. This amino acid position is conserved. In addition, this alteration is predicted to be tolerated by in silico analysis. Based on the available evidence, the clinical significance of this variant remains unclear.

NM_024598.4(USB1):c.547C>G (p.Leu183Val)

Gene: USB1 (U6 snRNA biogenesis phosphodiesterase 1; plus strand). Cytogenetic location: 16q21.
Variant type: single nucleotide variant.
Coding change: c.547C>G on transcript NM_024598.4 (MANE Select); coding-DNA position 547, C replaced by G.
Protein change: p.Leu183Val; replaces leucine 183 with valine.
Molecular consequence: missense variant.
Genome position (GRCh38, 1-based): chr16:58,017,377, C>G. VCF-style: chr16-58017377-C-G. GRCh37 (hg19) VCF-style: chr16-58051281-C-G.
Other names: c.493C>G, p.Leu165Val (NM_001195302.2); c.394C>G, p.Leu132Val (NM_001330568.2); short protein forms L165V, L132V, L183V.
Identifiers: ClinVar variation 3466472 (VCV003466472.1).